The following is an entry in ClinVar:

NM_004522.3(KIF5C):c.1431T>C (p.Asn477=)

Gene: KIF5C (kinesin family member 5C; plus strand). Cytogenetic location: 2q23.1.
Variant type: single nucleotide variant.
Coding change: c.1431T>C on transcript NM_004522.3 (MANE Select); coding-DNA position 1431, T replaced by C.
Protein change: p.Asn477=; no amino-acid change (asparagine 477 retained).
Molecular consequence: synonymous variant. On other transcripts: non-coding transcript variant (1).
Genome position (GRCh38, 1-based): chr2:148,981,423, T>C. VCF-style: chr2-148981423-T-C. GRCh37 (hg19) VCF-style: chr2-149837937-T-C.
Identifiers: ClinVar variation 1678806 (VCV001678806.2), dbSNP rs917200332, ClinGen allele CA57583681.

ClinVar aggregate classification (germline): Likely benign (1 of 4 stars; one submission).

gnomAD v4.1: 5 of 1,610,644 alleles (0.00031%); no homozygotes.

Submission:

GeneDx
Classification: Likely benign. Last evaluated: 2019-02-27. Review status: criteria provided, single submitter. Criteria: GeneDx Variant Classification Process June 2021. Collection method: clinical testing. Allele origin: germline. Affected: yes.
Comment: See Variant Classification Assertion Criteria.